The following is an entry in ClinVar:

NM_006206.6(PDGFRA):c.409T>A (p.Leu137Ile)

Gene: PDGFRA (platelet derived growth factor receptor alpha; plus strand). Cytogenetic location: 4q12.
Variant type: single nucleotide variant.
Coding change: c.409T>A on transcript NM_006206.6 (MANE Select); coding-DNA position 409, T replaced by A.
Protein change: p.Leu137Ile; replaces leucine 137 with isoleucine.
Molecular consequence: missense variant.
Genome position (GRCh38, 1-based): chr4:54,263,708, T>A. VCF-style: chr4-54263708-T-A. GRCh37 (hg19) VCF-style: chr4-55129875-T-A.
Other names: c.409T>A, p.Leu137Ile (NM_001347827.2, NM_001347829.2); c.484T>A, p.Leu162Ile (NM_001347828.2); c.448T>A, p.Leu150Ile (NM_001347830.2); short protein forms L137I, L150I, L162I.
Identifiers: ClinVar variation 4808219 (VCV004808219.2).

ClinVar aggregate classification (germline): Uncertain significance. Review status: criteria provided, multiple submitters, no conflicts (2 of 4 stars). 2 submissions from 2 submitters: Uncertain significance (2). Last evaluated 2026-07-06.

Conditions:
Gastrointestinal stromal tumor. Also called: Gastrointestinal stromal tumor, somatic; Gastrointestinal stroma tumor. Identifiers: Orphanet 44890, MedGen C0238198, MeSH D046152, MONDO:0011719, OMIM 606764, HP:0100723.
Hereditary cancer-predisposing syndrome. Also called: Neoplastic Syndromes, Hereditary; Tumor predisposition; Hereditary Cancer Syndrome; Hereditary neoplastic syndrome. Identifiers: Orphanet 140162, MedGen C0027672, MeSH D009386, MONDO:0015356.

Submissions (2):

Ambry Genetics
Classification: Uncertain significance for Hereditary cancer-predisposing syndrome. Last evaluated: 2026-07-06. Review status: criteria provided, single submitter. Criteria: Ambry Variant Classification Scheme 2023. Collection method: clinical testing. Allele origin: germline.
Comment: The p.L137I variant (also known as c.409T>A), located in coding exon 3 of the PDGFRA gene, results from a T to A substitution at nucleotide position 409. The leucine at codon 137 is replaced by isoleucine, an amino acid with highly similar properties. This amino acid position is conserved. In addition, this alteration is predicted to be tolerated by in silico analysis. Based on the available evidence, the clinical significance of this variant remains unclear.

Labcorp Genetics (formerly Invitae), Labcorp
Classification: Uncertain significance for Gastrointestinal stromal tumor. Last evaluated: 2025-09-22. Review status: criteria provided, single submitter. Criteria: Invitae Variant Classification Sherloc (09022015). Collection method: clinical testing. Allele origin: germline.
Comment: This sequence change replaces leucine, which is neutral and non-polar, with isoleucine, which is neutral and non-polar, at codon 137 of the PDGFRA protein (p.Leu137Ile). This variant is not present in population databases (gnomAD no frequency). This variant has not been reported in the literature in individuals affected with PDGFRA-related conditions. Invitae Evidence Modeling of protein sequence and biophysical properties (such as structural, functional, and spatial information, amino acid conservation, physicochemical variation, residue mobility, and thermodynamic stability) indicates that this missense variant is not expected to disrupt PDGFRA protein function with a negative predictive value of 80%. In summary, the available evidence is currently insufficient to determine the role of this variant in disease. Therefore, it has been classified as a Variant of Uncertain Significance.